The following is an entry in ClinVar:

ClinVar aggregate classification (germline): Uncertain significance (1 of 4 stars; one submission).

Conditions:
Inborn genetic diseases. Identifiers: MedGen C0950123, MeSH D030342.

Allele frequency attached by ClinVar (database versions not stated): gnomAD exomes below 0.00001.
gnomAD v4.1: 1 of 1,614,034 alleles (0.000062%); highest among the groups gnomAD compares: Non-Finnish European, 0.000085%; no homozygotes.

Submission:

Ambry Genetics
Classification: Uncertain significance for Inborn genetic diseases. Last evaluated: 2021-06-03. Review status: criteria provided, single submitter. Criteria: Ambry Variant Classification Scheme 2023. Collection method: clinical testing. Allele origin: germline.
Comment: The p.L132F variant (also known as c.396G>C), located in coding exon 4 of the DNM2 gene, results from a G to C substitution at nucleotide position 396. The leucine at codon 132 is replaced by phenylalanine, an amino acid with highly similar properties. This amino acid position is highly conserved in available vertebrate species. In addition, this alteration is predicted to be deleterious by in silico analysis. Since supporting evidence is limited at this time, the clinical significance of this alteration remains unclear.

NM_001005361.3(DNM2):c.396G>C (p.Leu132Phe)

Gene: DNM2 (dynamin 2; plus strand). Cytogenetic location: 19p13.2.
Variant type: single nucleotide variant.
Coding change: c.396G>C on transcript NM_001005361.3 (MANE Select); coding-DNA position 396, G replaced by C.
Protein change: p.Leu132Phe; replaces leucine 132 with phenylalanine.
Molecular consequence: missense variant.
Genome position (GRCh38, 1-based): chr19:10,775,713, G>C. VCF-style: chr19-10775713-G-C. GRCh37 (hg19) VCF-style: chr19-10886389-G-C.
Other names: c.396G>C, p.Leu132Phe (NM_001005360.3, NM_001005362.3, NM_001190716.2 and 1 more transcripts); short protein forms L132F.
Identifiers: ClinVar variation 1736605 (VCV001736605.2), dbSNP rs1328516269, ClinGen allele CA404042389.
Genomic context (GRCh38, chr19:10,775,713, plus strand): 5'-GCCTCCCCTCTCCTGGCTCTGAATGCCTTTCCTTCTGGTTTCCCTCCCAGTGTTGAACTT[G>C]ACCCTCATCGACCTCCCGGGTATCACCAAGGTGCCTGTGGGCGACCAGCCTCCAGACATC-3'
Protein context (NP_001005361.1, residues 122-142): LRVYSPHVLN[Leu132Phe]TLIDLPGITK